The following is an entry in ClinVar:

NM_000812.4(GABRB1):c.776T>C (p.Ile259Thr)

Gene: GABRB1 (gamma-aminobutyric acid type A receptor subunit beta1; plus strand). Cytogenetic location: 4p12.
Variant type: single nucleotide variant.
Coding change: c.776T>C on transcript NM_000812.4 (MANE Select); coding-DNA position 776, T replaced by C.
Protein change: p.Ile259Thr; replaces isoleucine 259 with threonine.
Molecular consequence: missense variant.
Genome position (GRCh38, 1-based): chr4:47,403,652, T>C. VCF-style: chr4-47403652-T-C. GRCh37 (hg19) VCF-style: chr4-47405669-T-C.
Other names: short protein forms I259T.
Identifiers: ClinVar variation 1359549 (VCV001359549.6), dbSNP rs2110051854, ClinGen allele CA356810883.

ClinVar aggregate classification (germline): Uncertain significance (1 of 4 stars; one submission).

Submission:

Labcorp Genetics (formerly Invitae), Labcorp
Classification: Uncertain significance. Last evaluated: 2022-02-22. Review status: criteria provided, single submitter. Criteria: Invitae Variant Classification Sherloc (09022015). Collection method: clinical testing. Allele origin: germline.
Comment: This sequence change replaces isoleucine, which is neutral and non-polar, with threonine, which is neutral and polar, at codon 259 of the GABRB1 protein (p.Ile259Thr). In summary, the available evidence is currently insufficient to determine the role of this variant in disease. Therefore, it has been classified as a Variant of Uncertain Significance. Advanced modeling of protein sequence and biophysical properties (such as structural, functional, and spatial information, amino acid conservation, physicochemical variation, residue mobility, and thermodynamic stability) performed at Invitae indicates that this missense variant is expected to disrupt GABRB1 protein function. This missense change has been observed in individual(s) with clinical features of epileptic encephalopathy (Invitae). This variant is not present in population databases (gnomAD no frequency).